The following is an entry in ClinVar:

NM_014991.6(WDFY3):c.5864A>G (p.Asn1955Ser)

Gene: WDFY3 (WD repeat and FYVE domain containing 3; minus strand). Cytogenetic location: 4q21.23.
Variant type: single nucleotide variant.
Coding change: c.5864A>G on transcript NM_014991.6 (MANE Select); coding-DNA position 5864, A replaced by G.
Protein change: p.Asn1955Ser; replaces asparagine 1955 with serine.
Molecular consequence: missense variant.
Genome position (GRCh38, 1-based): chr4:84,751,592, T>C on the plus strand (A>G on the coding strand, the complement: WDFY3 is on the minus strand). VCF-style: chr4-84751592-T-C. GRCh37 (hg19) VCF-style: chr4-85672745-T-C.
Other names: short protein forms N1955S.
Identifiers: ClinVar variation 1723480 (VCV001723480.2), dbSNP rs2532390570, ClinGen allele CA357560783.
Genomic context (GRCh38, chr4:84,751,592, plus strand): 5'-CAGAGGTTGTCTATGATTAAGACCCGCATGAAGTCAAAAACGAACTTTTTAGCCGGGTGA[T>C]TGGTCAGATATGTCTTGGTGCCCACATTGCAGTACTCTGATTGGCTCCTGTTCATCCCTG-3'
Protein context (NP_055806.2, residues 1945-1965): CNVGTKTYLT[Asn1955Ser]HPAKKFVFDF

ClinVar aggregate classification (germline): Uncertain significance (1 of 4 stars; one submission).

Submission:

GeneDx
Classification: Uncertain significance. Last evaluated: 2022-05-10. Review status: criteria provided, single submitter. Criteria: GeneDx Variant Classification Process June 2021. Collection method: clinical testing. Allele origin: germline. Affected: yes.
Comment: Not observed at significant frequency in large population cohorts (gnomAD); In silico analysis supports that this missense variant does not alter protein structure/function; Has not been previously published as pathogenic or benign to our knowledge